The following is an entry in ClinVar:

NM_015065.3(EXPH5):c.5366C>G (p.Pro1789Arg)

Gene: EXPH5 (exophilin 5; minus strand). Cytogenetic location: 11q22.3.
Variant type: single nucleotide variant.
Coding change: c.5366C>G on transcript NM_015065.3 (MANE Select); coding-DNA position 5366, C replaced by G.
Protein change: p.Pro1789Arg; replaces proline 1789 with arginine.
Molecular consequence: missense variant.
Genome position (GRCh38, 1-based): chr11:108,510,141, G>C on the plus strand (C>G on the coding strand, the complement: EXPH5 is on the minus strand). VCF-style: chr11-108510141-G-C. GRCh37 (hg19) VCF-style: chr11-108380868-G-C.
Other names: c.5138C>G, p.Pro1713Arg (NM_001144763.2); c.4898C>G, p.Pro1633Arg (NM_001144764.2); c.4802C>G, p.Pro1601Arg (NM_001144765.2); c.5345C>G, p.Pro1782Arg (NM_001308019.2); c.5366C>G (NM_015065.2); short protein forms P1601R, P1782R, P1633R, P1713R, P1789R.
Identifiers: ClinVar variation 1360112 (VCV001360112.10), dbSNP rs769292348, ClinGen allele CA6267349.

ClinVar aggregate classification (germline): Uncertain significance. Review status: criteria provided, multiple submitters, no conflicts (2 of 4 stars). 2 submissions from 2 submitters: Uncertain significance (2). Last evaluated 2024-12-16.

Conditions:
Inborn genetic diseases. Identifiers: MedGen C0950123, MeSH D030342.

Allele frequency attached by ClinVar (database versions not stated): ExAC 0.00002; gnomAD exomes 0.00003 and 0.00005; gnomAD 0.00013 and 0.00014.
gnomAD v4.1: 93 of 1,613,788 alleles (0.0058%); highest among the groups gnomAD compares: Admixed American, 0.042%; no homozygotes.

Submissions (2):

Ambry Genetics
Classification: Uncertain significance for Inborn genetic diseases. Last evaluated: 2024-12-16. Review status: criteria provided, single submitter. Criteria: Ambry Variant Classification Scheme 2023. Collection method: clinical testing. Allele origin: germline.

Labcorp Genetics (formerly Invitae), Labcorp
Classification: Uncertain significance. Last evaluated: 2021-07-18. Review status: criteria provided, single submitter. Criteria: Invitae Variant Classification Sherloc (09022015). Collection method: clinical testing. Allele origin: germline.
Comment: This sequence change replaces proline with arginine at codon 1789 of the EXPH5 protein (p.Pro1789Arg). The proline residue is moderately conserved and there is a moderate physicochemical difference between proline and arginine. This variant is present in population databases (rs769292348, ExAC 0.003%). This variant has not been reported in the literature in individuals affected with EXPH5-related conditions. Algorithms developed to predict the effect of missense changes on protein structure and function (SIFT, PolyPhen-2, Align-GVGD) all suggest that this variant is likely to be tolerated. In summary, the available evidence is currently insufficient to determine the role of this variant in disease. Therefore, it has been classified as a Variant of Uncertain Significance.